The following is an entry in ClinVar:

ClinVar aggregate classification (germline): Uncertain significance. Review status: criteria provided, multiple submitters, no conflicts (2 of 4 stars). 2 submissions from 2 submitters: Uncertain significance (2). Last evaluated 2025-06-26.

Conditions:
Hereditary cancer-predisposing syndrome. Also called: Hereditary Cancer Syndrome; Neoplastic Syndromes, Hereditary; Hereditary neoplastic syndrome; Tumor predisposition. Identifiers: Orphanet 140162, MedGen C0027672, MeSH D009386, MONDO:0015356.
Tuberous sclerosis 1 (TSC1). Identifiers: Orphanet 805, MedGen C1854465, MONDO:0008612, OMIM 191100.

Submissions (2):

Ambry Genetics
Classification: Uncertain significance for Hereditary cancer-predisposing syndrome. Last evaluated: 2025-06-26. Review status: criteria provided, single submitter. Criteria: Ambry Variant Classification Scheme 2023. Collection method: clinical testing. Allele origin: germline.
Comment: The p.P602T variant (also known as c.1804C>A), located in coding exon 13 of the TSC1 gene, results from a C to A substitution at nucleotide position 1804. The proline at codon 602 is replaced by threonine, an amino acid with highly similar properties. This amino acid position is well conserved in available vertebrate species. In addition, the in silico prediction for this alteration is inconclusive. Based on the available evidence, the clinical significance of this variant remains unclear.

Labcorp Genetics (formerly Invitae), Labcorp
Classification: Uncertain significance for Tuberous sclerosis 1. Last evaluated: 2023-01-28. Review status: criteria provided, single submitter. Criteria: Invitae Variant Classification Sherloc (09022015). Collection method: clinical testing. Allele origin: germline.
Comment: In summary, the available evidence is currently insufficient to determine the role of this variant in disease. Therefore, it has been classified as a Variant of Uncertain Significance. ClinVar contains an entry for this variant (Variation ID: 820107). This variant has not been reported in the literature in individuals affected with TSC1-related conditions. This variant is not present in population databases (gnomAD no frequency). This sequence change replaces proline, which is neutral and non-polar, with threonine, which is neutral and polar, at codon 602 of the TSC1 protein (p.Pro602Thr). Advanced modeling of protein sequence and biophysical properties (such as structural, functional, and spatial information, amino acid conservation, physicochemical variation, residue mobility, and thermodynamic stability) performed at Invitae indicates that this missense variant is not expected to disrupt TSC1 protein function.

NM_000368.5(TSC1):c.1804C>A (p.Pro602Thr)

Gene: TSC1 (TSC complex subunit 1; minus strand). Cytogenetic location: 9q34.13.
Variant type: single nucleotide variant.
Coding change: c.1804C>A on transcript NM_000368.5 (MANE Select); coding-DNA position 1804, C replaced by A.
Protein change: p.Pro602Thr; replaces proline 602 with threonine.
Molecular consequence: missense variant.
Genome position (GRCh38, 1-based): chr9:132,905,774, G>T on the plus strand (C>A on the coding strand, the complement: TSC1 is on the minus strand). VCF-style: chr9-132905774-G-T. GRCh37 (hg19) VCF-style: chr9-135781161-G-T.
Other names: c.1801C>A, p.Pro601Thr (NM_001162426.2); c.1651C>A, p.Pro551Thr (NM_001162427.2); c.1441C>A, p.Pro481Thr (NM_001362177.2); short protein forms P602T, P551T, P601T, P481T.
Identifiers: ClinVar variation 820107 (VCV000820107.8), dbSNP rs1588309106, ClinGen allele CA375363409.